The following is an entry in ClinVar:

ClinVar aggregate classification (germline): Uncertain significance (1 of 4 stars; one submission).

Submission:

Labcorp Genetics (formerly Invitae), Labcorp
Classification: Uncertain significance. Last evaluated: 2025-08-29. Review status: criteria provided, single submitter. Criteria: Invitae Variant Classification Sherloc (09022015). Collection method: clinical testing. Allele origin: germline.
Comment: This sequence change falls in intron 8 of the MYH3 gene. It does not directly change the encoded amino acid sequence of the MYH3 protein. This variant is not present in population databases (gnomAD no frequency). This variant has not been reported in the literature in individuals affected with MYH3-related conditions. Algorithms developed to predict the effect of sequence changes on RNA splicing suggest that this variant may disrupt the consensus splice site. In summary, the available evidence is currently insufficient to determine the role of this variant in disease. Therefore, it has been classified as a Variant of Uncertain Significance.

NM_002470.4(MYH3):c.736-13C>A

Gene: MYH3 (myosin heavy chain 3; minus strand). Cytogenetic location: 17p13.1.
Variant type: single nucleotide variant.
Coding change: c.736-13C>A on transcript NM_002470.4 (MANE Select); 13 bases into the intron before coding-DNA position 736, C replaced by A.
Molecular consequence: intron variant.
Genome position (GRCh38, 1-based): chr17:10,647,439, G>T on the plus strand (C>A on the coding strand, the complement: MYH3 is on the minus strand). VCF-style: chr17-10647439-G-T. GRCh37 (hg19) VCF-style: chr17-10550756-G-T.
Identifiers: ClinVar variation 4726278 (VCV004726278.1).